The following is an entry in ClinVar:

NM_001369.3(DNAH5):c.8516A>G (p.Asp2839Gly)

Gene: DNAH5 (dynein axonemal heavy chain 5; minus strand). Cytogenetic location: 5p15.2.
Variant type: single nucleotide variant.
Coding change: c.8516A>G on transcript NM_001369.3 (MANE Select); coding-DNA position 8516, A replaced by G.
Protein change: p.Asp2839Gly; replaces aspartic acid 2839 with glycine.
Molecular consequence: missense variant.
Genome position (GRCh38, 1-based): chr5:13,788,847, T>C on the plus strand (A>G on the coding strand, the complement: DNAH5 is on the minus strand). VCF-style: chr5-13788847-T-C. GRCh37 (hg19) VCF-style: chr5-13788956-T-C.
Other names: short protein forms D2839G.
Identifiers: ClinVar variation 1763700 (VCV001763700.2), dbSNP rs2546724275, ClinGen allele CA359217844.

ClinVar aggregate classification (germline): Uncertain significance (1 of 4 stars; one submission).

Conditions:
Primary ciliary dyskinesia. Also called: Ciliary dyskinesia. Identifiers: Orphanet 244, MedGen C0008780, MONDO:0016575, HP:0012265.

Submission:

Ambry Genetics
Classification: Uncertain significance for Primary ciliary dyskinesia. Last evaluated: 2016-03-07. Review status: criteria provided, single submitter. Criteria: Ambry Variant Classification Scheme 2023. Collection method: clinical testing. Allele origin: germline.
Comment: The p.D2839G variant (also known as c.8516A>G), located in coding exon 51 of the DNAH5 gene, results from an A to G substitution at nucleotide position 8516. The aspartic acid at codon 2839 is replaced by glycine, an amino acid with similar properties. This variant was not reported in population based cohorts in the following databases: Database of Single Nucleotide Polymorphisms (dbSNP), NHLBI Exome Sequencing Project (ESP), and 1000 Genomes Project. In the ESP, this variant was not observed in 6503 samples (13006 alleles) with coverage at this position. This amino acid position is highly conserved in available vertebrate species. In addition, this alteration is predicted to be deleterious by in silico analysis. Since supporting evidence is limited at this time, the clinical significance of this variant remains unclear.